The following is an entry in ClinVar:

ClinVar aggregate classification (germline): Benign/Likely benign. Review status: criteria provided, multiple submitters, no conflicts (2 of 4 stars). 3 submissions from 3 submitters: Benign (1); Likely benign (1). 1 of the submissions does not count toward it. Last evaluated 2026-01-11.

Conditions:
L1CAM-related disorder. Also called: L1CAM-related condition.
Spastic paraplegia. Identifiers: MedGen C0037772, HP:0001258.

Allele frequency attached by ClinVar (database versions not stated): ExAC 0.00001; gnomAD exomes 0.00001; gnomAD 0.00003 and 0.00004; TOPMed 0.00004.
gnomAD v4.1: 8 of 1,209,249 alleles (0.00066%); highest among the groups gnomAD compares: African/African-American, 0.0053%; no homozygotes.

Submissions (3):

Labcorp Genetics (formerly Invitae), Labcorp
Classification: Benign for Spastic paraplegia. Last evaluated: 2026-01-11. Review status: criteria provided, single submitter. Criteria: Invitae Variant Classification Sherloc (09022015). Collection method: clinical testing. Allele origin: germline.

GeneDx
Classification: Likely benign. Last evaluated: 2015-12-17. Review status: criteria provided, single submitter. Criteria: GeneDx Variant Classification (06012015). Collection method: clinical testing. Allele origin: germline. Affected: yes.
Comment: This variant is considered likely benign or benign based on one or more of the following criteria: it is a conservative change, it occurs at a poorly conserved position in the protein, it is predicted to be benign by multiple in silico algorithms, and/or has population frequency not consistent with disease.

PreventionGenetics, part of Exact Sciences
Classification: Likely benign for L1CAM-related condition. Last evaluated: 2019-05-28. Review status: no assertion criteria provided. Collection method: clinical testing. Allele origin: germline. Not counted in ClinVar's aggregate classification.
Comment: This variant is classified as likely benign based on ACMG/AMP sequence variant interpretation guidelines (Richards et al. 2015 PMID: 25741868, with internal and published modifications).

NM_001278116.2(L1CAM):c.3099C>T (p.Val1033=)

Gene: L1CAM (L1 cell adhesion molecule; minus strand). Cytogenetic location: Xq28.
Variant type: single nucleotide variant.
Coding change: c.3099C>T on transcript NM_001278116.2 (MANE Select); coding-DNA position 3099, C replaced by T.
Protein change: p.Val1033=; no amino-acid change (valine 1033 retained).
Molecular consequence: synonymous variant.
Genome position (GRCh38, 1-based): chrX:153,864,652, G>A on the plus strand (C>T on the coding strand, the complement: L1CAM is on the minus strand). VCF-style: chrX-153864652-G-A. GRCh37 (hg19) VCF-style: chrX-153130107-G-A.
Other names: c.3099C>T, p.Val1033= (NM_000425.5, NM_024003.3); c.3084C>T, p.Val1028= (NM_001143963.2); c.3099C>T (NM_000425.4).
Identifiers: ClinVar variation 382519 (VCV000382519.6), dbSNP rs782495914, ClinGen allele CA10554029.